The following is an entry in ClinVar:

ClinVar aggregate classification (germline): Likely benign. Review status: criteria provided, multiple submitters, no conflicts (2 of 4 stars). 3 submissions from 3 submitters: Likely benign (2). 1 of the submissions does not count toward it. Last evaluated 2025-11-24.

Conditions:
PKD1-related disorder. Also called: PKD1-related condition.
Polycystic kidney disease. Also called: Kidney, Polycystic; Polycystic kidney dysplasia. Identifiers: MedGen C0022680, MeSH D007690, MONDO:0020642, HP:0000113.
Inborn genetic diseases. Identifiers: MedGen C0950123, MeSH D030342.

Allele frequency attached by ClinVar (database versions not stated): TOPMed 0.00002; ExAC 0.00038; 1000 Genomes Project 0.00060; 1000 Genomes Project 30x 0.00078.
gnomAD v4.1: 133 of 1,606,886 alleles (0.0083%); highest among the groups gnomAD compares: South Asian, 0.13%; 5 homozygotes.

Submissions (3):

PreventionGenetics, part of Exact Sciences
Classification: Likely benign for PKD1-related condition. Last evaluated: 2025-11-24. Review status: criteria provided, single submitter. Criteria: ACMG Guidelines, 2015. Collection method: clinical testing. Allele origin: germline.
Comment: This variant is classified as likely benign based on ACMG/AMP sequence variant interpretation guidelines (Richards et al. 2015 PMID: 25741868, with internal and published modifications).

Ambry Genetics
Classification: Likely benign for Inborn genetic diseases. Last evaluated: 2025-08-21. Review status: criteria provided, single submitter. Criteria: Ambry Variant Classification Scheme 2023. Collection method: clinical testing. Allele origin: germline.

Department of Pathology and Laboratory Medicine, Sinai Health System
Classification: Likely benign for Polycystic Kidney disease. Review status: no assertion criteria provided. Collection method: clinical testing. Allele origin: unknown. Affected: yes. Observed: 1 variant allele. Study: The Canadian Open Genetics Repository (COGR). Not counted in ClinVar's aggregate classification.
Comment: The PKD1 p.Arg304His variant was not identified in the literature nor was it identified in the ClinVar, COGR, LOVD 3.0, ADPKD Mutation Database, or the PKD1-LOVD database. The variant was identified in dbSNP (ID: rs574313228) as â€šÃ„ÃºNAâ€šÃ„Ã¹. The variant was identified in control databases in 38 of 217294 chromosomes (1 homozygous) at a frequency of 0.0002 increasing the likelihood this could be a low frequency benign variant (Genome Aggregation Database Feb 27, 2017). The variant was observed in the following populations: Other in 2 of 4944 chromosomes (freq: 0.000405), European (Non-Finnish) in 1 of 96564 chromosomes (freq: 0.00001), East Asian in 1 of 16200 chromosomes (freq: 0.000062), and South Asian in 34 of 29038 chromosomes (freq: 0.001171); it was not observed in the African, Latino, Ashkenazi Jewish, or European (Finnish) populations. In addition, the variant was identified by our laboratory with a co-occurring pathogenic PKD1 variant (p.Arg1935Valfs*14), increasing the likelihood that the p.Arg304His variant does not have clinical significance. The p.Arg304 residue is not conserved in mammals and computational analyses (PolyPhen-2, SIFT, AlignGVGD, BLOSUM, MutationTaster) do not suggest a high likelihood of impact to the protein; however, this information is not predictive enough to rule out pathogenicity. The variant occurs outside of the splicing consensus sequence and in silico or computational prediction software programs (SpliceSiteFinder, MaxEntScan, NNSPLICE, GeneSplicer, HumanSpliceFinder) do not predict a difference in splicing. In summary, based on the above information the clinical significance of this variant cannot be determined with certainty at this time although we would lean towards a more benign role for this variant. This variant is classified as likely benign.

NM_001009944.3(PKD1):c.911G>A (p.Arg304His)

Gene: PKD1 (polycystin 1, transient receptor potential channel interacting; minus strand). Cytogenetic location: 16p13.3.
Variant type: single nucleotide variant.
Coding change: c.911G>A on transcript NM_001009944.3 (MANE Select); coding-DNA position 911, G replaced by A.
Protein change: p.Arg304His; replaces arginine 304 with histidine.
Molecular consequence: missense variant.
Genome position (GRCh38, 1-based): chr16:2,118,081, C>T on the plus strand (G>A on the coding strand, the complement: PKD1 is on the minus strand). VCF-style: chr16-2118081-C-T. GRCh37 (hg19) VCF-style: chr16-2168082-C-T.
Other names: c.911G>A, p.Arg304His (NM_000296.4); c.911G>A (NM_000296.3, NM_001009944.2); short protein forms R304H.
Identifiers: ClinVar variation 997304 (VCV000997304.5), dbSNP rs574313228, ClinGen allele CA7833636.
Genomic context (GRCh38, chr16:2,118,081, plus strand): 5'-CGATGCGAGGCAGCCGGCCCAGCGGCATCCACCTCGGCGGAGCCGTCTCCGAAGTCCCAG[C>T]GTGTGGCAGTGACAGGGAGCGGGGCAGCGATGTGGAAGGCTGCTAGCTGGCCAGAGGCCA-3'
Protein context (NP_001009944.3, residues 294-314): IAAPLPVTAT[Arg304His]WDFGDGSAEV